The following is an entry in ClinVar:

ClinVar aggregate classification (germline): Likely benign (0 of 4 stars; one submission).

Conditions:
DGAT1-related disorder. Also called: DGAT1-related condition.

Submission:

PreventionGenetics, part of Exact Sciences
Classification: Likely benign for DGAT1-related condition. Last evaluated: 2021-05-12. Review status: no assertion criteria provided. Collection method: clinical testing. Allele origin: germline.
Comment: This variant is classified as likely benign based on ACMG/AMP sequence variant interpretation guidelines (Richards et al. 2015 PMID: 25741868, with internal and published modifications).

NM_012079.6(DGAT1):c.612C>G (p.Leu204=)

Gene: DGAT1 (diacylglycerol O-acyltransferase 1; minus strand). Cytogenetic location: 8q24.3.
Variant type: single nucleotide variant.
Coding change: c.612C>G on transcript NM_012079.6 (MANE Select); coding-DNA position 612, C replaced by G.
Protein change: p.Leu204=; no amino-acid change (leucine 204 retained).
Molecular consequence: synonymous variant.
Genome position (GRCh38, 1-based): chr8:144,318,325, G>C on the plus strand (C>G on the coding strand, the complement: DGAT1 is on the minus strand). VCF-style: chr8-144318325-G-C. GRCh37 (hg19) VCF-style: chr8-145541988-G-C.
Identifiers: ClinVar variation 3058874 (VCV003058874.2), dbSNP rs1414487722, ClinGen allele CA463547657.